The following is an entry in ClinVar:

NC_000023.10:g.(?_7137717)_(7268302_?)dup

Gene: STS (steroid sulfatase; plus strand). Cytogenetic location: Xp22.31.
Variant type: Duplication.
Identifiers: ClinVar variation 2422954 (VCV002422954.4).

ClinVar aggregate classification (germline): Uncertain significance (1 of 4 stars; one submission).

Submission:

Labcorp Genetics (formerly Invitae), Labcorp
Classification: Uncertain significance. Last evaluated: 2023-07-28. Review status: criteria provided, single submitter. Criteria: Invitae Variant Classification Sherloc (09022015). Collection method: clinical testing. Allele origin: germline.
Comment: A copy number gain of the genomic region encompassing the full coding sequence of the STS gene has been identified. The boundaries of this event are unknown as they extend beyond the assayed region for this gene and therefore may encompass additional genes. As the precise location of this event is unknown, it may be in tandem or it may be located elsewhere in the genome. This variant has not been reported in the literature in individuals affected with STS-related conditions. In summary, the available evidence is currently insufficient to determine the role of this variant in disease. Therefore, it has been classified as a Variant of Uncertain Significance.